The following is an entry in ClinVar:

NM_006749.4(SLC20A2):c.-534A>T

Genes: SLC20A2 (solute carrier family 20 member 2; minus strand), SMIM19 (small integral membrane protein 19; plus strand). Cytogenetic location: 8p11.21.
Variant type: single nucleotide variant.
Coding change: c.-534A>T on transcript NM_006749.4; 534 bases upstream of the start codon, A replaced by T.
Molecular consequence: 5 prime UTR variant (on NM_001135674.2). On other transcripts: intron variant (2).
Genome position (GRCh38, 1-based): chr8:42,542,090, T>A on the plus strand (A>T on the coding strand, the complement: SLC20A2 is on the minus strand). VCF-style: chr8-42542090-T-A. GRCh37 (hg19) VCF-style: chr8-42397233-T-A.
Other names: c.-288T>A (NM_001135674.2); c.-70T>A (NM_001135675.2); c.-359T>A (NM_001363186.2); c.-5+891T>A (NM_001135676.2); c.-5+385T>A (NM_138436.4).
Identifiers: ClinVar variation 363103 (VCV000363103.8), dbSNP rs113755761, ClinGen allele CA10625497.
Genomic context (GRCh38, chr8:42,542,090, plus strand): 5'-GAGCCTCGCCGCCCTGGGACCCGGGCTGCTTCCTGGGAGAGGATTACATTTTCTCCCTGC[T>A]CCACTTGACTTTCTTCCGGAAGGAGCAGGTCTCGCAGGATCGGGGCCAAGACTGGAAGAG-3'

ClinVar aggregate classification (germline): Benign. Review status: criteria provided, multiple submitters, no conflicts (2 of 4 stars). 2 submissions from 2 submitters: Benign (2). Last evaluated 2018-01-13.

Conditions:
Idiopathic basal ganglia calcification 1 (PFBC1A). Also called: Familial Idiopathic Basal Ganglia Calcification 3; Primary Familial Brain Calcification; Cerebral calcification nonarteriosclerotic idiopathic adult-onset; Striopallidodentate calcinosis autosomal dominant adult-onset; Ferrocalcinosis, cerebrovascular; Fahr disease, familial (formerly). Identifiers: Orphanet 1980, MedGen C4551624, MONDO:0024538, OMIM 213600.

Allele frequency attached by ClinVar (database versions not stated): TOPMed 0.02565; 1000 Genomes Project 0.01258; 1000 Genomes Project 30x 0.01405; gnomAD 0.02320; gnomAD exomes 0.05000.

Submissions (2):

Illumina Laboratory Services, Illumina
Classification: Benign for Idiopathic basal ganglia calcification 1. Last evaluated: 2018-01-13. Review status: criteria provided, single submitter. Criteria: ICSL Variant Classification Criteria 13 December 2019. Collection method: clinical testing. Allele origin: germline.
Comment: This variant was observed in the ICSL laboratory as part of a predisposition screen in an ostensibly healthy population. It had not been previously curated by ICSL or reported in the Human Gene Mutation Database (HGMD: prior to June 1st, 2018), and was therefore a candidate for classification through an automated scoring system. Utilizing variant allele frequency, disease prevalence and penetrance estimates, and inheritance mode, an automated score was calculated to assess if this variant is too frequent to cause the disease. Based on the score and internal cut-off values, a variant classified as benign is not then subjected to further curation. The score for this variant resulted in a classification of benign for this disease.

Breakthrough Genomics
Classification: Benign. Review status: criteria provided, single submitter. Criteria: ACMG Guidelines, 2015. Collection method: not provided. Allele origin: germline. Inheritance: Unknown mechanism. Affected: yes.